The following is an entry in ClinVar:

NM_012208.4(HARS2):c.928del (p.Tyr309_Leu310insTer)

Gene: HARS2 (histidyl-tRNA synthetase 2, mitochondrial; plus strand). Cytogenetic location: 5q31.3.
Variant type: Deletion.
Coding change: c.928del on transcript NM_012208.4 (MANE Select); coding-DNA position 928, one base deleted (C; older notation c.928delC).
Protein change: p.Tyr309_Leu310insTer.
Molecular consequence: nonsense.
Genome position (GRCh38, 1-based): chr5:140,697,044, C deleted; the last of 2 consecutive C bases (chr5:140,697,043-140,697,044); deleting either gives the same sequence. VCF-style (leftmost placement, unchanged base first): chr5-140697042-AC-A. GRCh37 (hg19) VCF-style: chr5-140076627-AC-A.
Other names: c.853del, p.Tyr284_Leu285insTer (NM_001278731.2); c.496del, p.Tyr165_Leu166insTer (NM_001278732.2); c.946del, p.Tyr315_Leu316insTer (NM_001363535.2); c.718del, p.Tyr239_Leu240insTer (NM_001363536.2).
Identifiers: ClinVar variation 3601170 (VCV003601170.1).

ClinVar aggregate classification (germline): Pathogenic (1 of 4 stars; one submission).

Conditions:
Perrault syndrome 2 (PRLTS2). Identifiers: Orphanet 2855, Orphanet 642976, MedGen C3554105, MONDO:0013972, OMIM 614926.

Submission:

Institute of Rare Diseases, West China Hospital, Sichuan University
Classification: Pathogenic for Perrault syndrome 2. Last evaluated: 2025-01-09. Review status: criteria provided, single submitter. Criteria: ClinGen HL ACMG Specifications v1. Collection method: research. Allele origin: germline. Affected: yes.
Comment: PVS1;PM3;PM2_Supporting